The following is an entry in ClinVar:

NM_002185.5(IL7R):c.359A>T (p.Lys120Ile)

Gene: IL7R (interleukin 7 receptor; plus strand). Cytogenetic location: 5p13.2.
Variant type: single nucleotide variant.
Coding change: c.359A>T on transcript NM_002185.5 (MANE Select); coding-DNA position 359, A replaced by T.
Protein change: p.Lys120Ile; replaces lysine 120 with isoleucine.
Molecular consequence: missense variant. On other transcripts: non-coding transcript variant (1).
Genome position (GRCh38, 1-based): chr5:35,867,443, A>T. VCF-style: chr5-35867443-A-T. GRCh37 (hg19) VCF-style: chr5-35867545-A-T.
Other names: short protein forms K120I.
Identifiers: ClinVar variation 353262 (VCV000353262.7), dbSNP rs201710684, ClinGen allele CA3231926.

ClinVar aggregate classification (germline): Uncertain significance. Review status: criteria provided, multiple submitters, no conflicts (2 of 4 stars). 2 submissions from 2 submitters: Uncertain significance (2). Last evaluated 2021-11-23.

Conditions:
Immunodeficiency 104. Also called: SCID, AUTOSOMAL RECESSIVE, T CELL-NEGATIVE, B CELL-POSITIVE, NK CELL-POSITIVE; Severe Combined Immune Deficiency, Autosomal Recessive, TCell -Negative, B Cell-Positive, NK Cell-Positive, IL7R-Related; Severe combined immunodeficiency, autosomal recessive, T cell-negative, B cell-positive, NK cell-positive; IMMUNODEFICIENCY 104, SEVERE COMBINED. Identifiers: MedGen C5676890, MONDO:0012163, OMIM 608971.

Allele frequency attached by ClinVar (database versions not stated): gnomAD below 0.00001 and 0.00001; ExAC 0.00003; gnomAD exomes 0.00003; 1000 Genomes Project 30x 0.00016; 1000 Genomes Project 0.00020.
gnomAD v4.1: 39 of 1,613,254 alleles (0.0024%); highest among the groups gnomAD compares: South Asian, 0.043%; no homozygotes.

Submissions (2):

Labcorp Genetics (formerly Invitae), Labcorp
Classification: Uncertain significance for Immunodeficiency 104. Last evaluated: 2021-11-23. Review status: criteria provided, single submitter. Criteria: Invitae Variant Classification Sherloc (09022015). Collection method: clinical testing. Allele origin: germline.
Comment: This sequence change replaces lysine, which is basic and polar, with isoleucine, which is neutral and non-polar, at codon 120 of the IL7R protein (p.Lys120Ile). This variant is present in population databases (rs201710684, gnomAD 0.02%). This variant has not been reported in the literature in individuals affected with IL7R-related conditions. ClinVar contains an entry for this variant (Variation ID: 353262). Advanced modeling of protein sequence and biophysical properties (such as structural, functional, and spatial information, amino acid conservation, physicochemical variation, residue mobility, and thermodynamic stability) performed at Invitae indicates that this missense variant is not expected to disrupt IL7R protein function. In summary, the available evidence is currently insufficient to determine the role of this variant in disease. Therefore, it has been classified as a Variant of Uncertain Significance.

Illumina Laboratory Services, Illumina
Classification: Uncertain significance for Immunodeficiency 104. Last evaluated: 2018-01-12. Review status: criteria provided, single submitter. Criteria: ICSL Variant Classification Criteria 13 December 2019. Collection method: clinical testing. Allele origin: germline.